The following is an entry in ClinVar:

NM_006231.4(POLE):c.-1C>T

Genes: POLE (DNA polymerase epsilon, catalytic subunit; minus strand), LOC130009266 (ATAC-STARR-seq lymphoblastoid silent region 5123; plus strand). Cytogenetic location: 12q24.33.
Variant type: single nucleotide variant.
Coding change: c.-1C>T on transcript NM_006231.4 (MANE Select); 1 bases upstream of the start codon, C replaced by T.
Molecular consequence: 5 prime UTR variant.
Genome position (GRCh38, 1-based): chr12:132,687,316, G>A on the plus strand (C>T on the coding strand, the complement: POLE is on the minus strand). VCF-style: chr12-132687316-G-A. GRCh37 (hg19) VCF-style: chr12-133263902-G-A.
Identifiers: ClinVar variation 820484 (VCV000820484.5), dbSNP rs1565986723, ClinGen allele CA608264271.

ClinVar aggregate classification (germline): Uncertain significance (1 of 4 stars; one submission).

Conditions:
Hereditary cancer-predisposing syndrome. Also called: Tumor predisposition; Neoplastic Syndromes, Hereditary; Hereditary Cancer Syndrome; Hereditary neoplastic syndrome. Identifiers: Orphanet 140162, MedGen C0027672, MeSH D009386, MONDO:0015356.

Allele frequency attached by ClinVar (database versions not stated): gnomAD exomes below 0.00001 and 0.00001; TOPMed below 0.00001; gnomAD 0.00001; 1000 Genomes Project 30x 0.00031.
gnomAD v4.1: 6 of 1,500,680 alleles (0.0004%); highest among the groups gnomAD compares: East Asian, 0.0027%; no homozygotes.

Submission:

Ambry Genetics
Classification: Uncertain significance for Hereditary cancer-predisposing syndrome. Last evaluated: 2026-01-08. Review status: criteria provided, single submitter. Criteria: Ambry Variant Classification Scheme 2023. Collection method: clinical testing. Allele origin: germline.
Comment: The c.-1C>T variant is located in the 5' untranslated region (5&rsquo; UTR) of the POLE gene. This variant results from a C to T substitution 1 bases upstream from the first translated codon. This nucleotide position is poorly conserved in available vertebrate species. Based on the available evidence, the clinical significance of this variant remains unclear.